The following is an entry in ClinVar:

ClinVar aggregate classification (germline): Uncertain significance (1 of 4 stars; one submission).

Allele frequency attached by ClinVar (database versions not stated): TOPMed below 0.00001.

Submission:

GeneDx
Classification: Uncertain significance. Last evaluated: 2023-10-09. Review status: criteria provided, single submitter. Criteria: GeneDx Variant Classification Process June 2021. Collection method: clinical testing. Allele origin: germline. Affected: yes.
Comment: Not observed at significant frequency in large population cohorts (gnomAD); In silico analysis supports that this missense variant has a deleterious effect on protein structure/function; Has not been previously published as pathogenic or benign to our knowledge

NM_004525.3(LRP2):c.9014G>A (p.Cys3005Tyr)

Gene: LRP2 (LDL receptor related protein 2; minus strand). Cytogenetic location: 2q31.1.
Variant type: single nucleotide variant.
Coding change: c.9014G>A on transcript NM_004525.3 (MANE Select); coding-DNA position 9014, G replaced by A.
Protein change: p.Cys3005Tyr; replaces cysteine 3005 with tyrosine.
Molecular consequence: missense variant.
Genome position (GRCh38, 1-based): chr2:169,191,850, C>T on the plus strand (G>A on the coding strand, the complement: LRP2 is on the minus strand). VCF-style: chr2-169191850-C-T. GRCh37 (hg19) VCF-style: chr2-170048360-C-T.
Other names: short protein forms C3005Y.
Identifiers: ClinVar variation 3252654 (VCV003252654.1), dbSNP rs1687841427.